The following is an entry in ClinVar:

NM_004999.4(MYO6):c.3207_3212delinsATCCTACATACTTAAAATTTCTT (p.Ala1070fs)

Gene: MYO6 (myosin VI; plus strand). Cytogenetic location: 6q14.1.
Variant type: Indel.
Coding change: c.3207_3212delinsATCCTACATACTTAAAATTTCTT on transcript NM_004999.4 (MANE Select); coding-DNA positions 3207 to 3212, TGCTGG replaced by ATCCTACATACTTAAAATTTCTT.
Protein change: p.Ala1070fs; shifts the reading frame from alanine 1070.
Molecular consequence: frameshift variant. On other transcripts: non-coding transcript variant (1).
Genome position (GRCh38, 1-based): chr6:75,907,635-75,907,640, TGCTGG replaced by ATCCTACATACTTAAAATTTCTT. VCF-style: chr6-75907635-TGCTGG-ATCCTACATACTTAAAATTTCTT. GRCh37 (hg19) VCF-style: chr6-76617352-TGCTGG-ATCCTACATACTTAAAATTTCTT.
Other names: c.3138_3143delinsATCCTACATACTTAAAATTTCTT, p.Ala1047fs (NM_001300899.2, NM_001368136.1); c.3195_3200delinsATCCTACATACTTAAAATTTCTT, p.Ala1066fs (NM_001368137.1); c.3123_3128delinsATCCTACATACTTAAAATTTCTT, p.Ala1042fs (NM_001368138.1); c.3234_3239delinsATCCTACATACTTAAAATTTCTT, p.Ala1079fs (NM_001368865.1, NM_001368866.1); short protein forms A1079fs, A1066fs, A1070fs, A1047fs, A1042fs.
Identifiers: ClinVar variation 179643 (VCV000179643.4), dbSNP rs727505015, ClinGen allele CA273642.

ClinVar aggregate classification (germline): Likely pathogenic (1 of 4 stars; one submission).

Conditions:
Rare genetic deafness. Identifiers: Orphanet 96210, MedGen C5680250.

Submission:

Laboratory for Molecular Medicine, Mass General Brigham Personalized Medicine
Classification: Likely pathogenic for Rare genetic deafness. Last evaluated: 2014-09-05. Review status: criteria provided, single submitter. Criteria: LMM Criteria. Collection method: clinical testing. Allele origin: germline. Inheritance: Autosomal dominant inheritance. Observed: 1 variant allele.
Comment: The Ala1070fs variant in MYO6 has not been previously reported in individuals wi th hearing loss or in large population studies. This variant is predicted to cau se a frameshift, which alters the protein's amino acid sequence beginning at cod on 1070 and leads to a premature stop codon 46 codons downstream. This alteratio n is then predicted to lead to a truncated or absent protein. Truncating or loss of function variants in the MYO6 gene have been associated with autosomal reces sive hearing loss as well as autosomal dominant hearing loss (Hilgert 2008, Sang gaard 2008, Neveling 2013, Schrauwen 2013, Volk 2013). Although it has been sugg ested that dominant variants in MYO6 act in a dominant-negative manner (Hilgert 2008), the exact mechanism of pathogenesis has not been fully elucidated. In sum mary, although additional studies are required to fully establish its clinical s ignificance, this variant is likely pathogenic.

Literature cited by the submitters: PubMed 18212818; PubMed 18348273; PubMed 24123792; PubMed 23208854; PubMed 23635807.